The following is an entry in ClinVar:

NC_000015.9:g.(?_34117794)_(34158266_?)del

Gene: RYR3 (ryanodine receptor 3; plus strand). Cytogenetic location: 15q14.
Variant type: Deletion.
Identifiers: ClinVar variation 1410051 (VCV001410051.6).

ClinVar aggregate classification (germline): Uncertain significance (1 of 4 stars; one submission).

Conditions:
Epileptic encephalopathy. Identifiers: MedGen C0543888, HP:0200134.

Submission:

Labcorp Genetics (formerly Invitae), Labcorp
Classification: Uncertain significance for Epileptic encephalopathy. Last evaluated: 2020-12-08. Review status: criteria provided, single submitter. Criteria: Invitae Variant Classification Sherloc (09022015). Collection method: clinical testing. Allele origin: germline.
Comment: In summary, the available evidence is currently insufficient to determine the role of this variant in disease. Therefore, it has been classified as a Variant of Uncertain Significance. Experimental studies and prediction algorithms are not available or were not evaluated, and the functional significance of this variant is currently unknown. This variant has not been reported in the literature in individuals with RYR3-related conditions. This variant is a gross deletion of the genomic region encompassing exon(s) 82-104 of the RYR3 gene. The 5' boundary is likely confined to intron 81. The 3' end of this event is unknown as it extends through the termination codon beyond the assayed region for this gene and may encompass additional genes. While this deletion is not anticipated to lead to nonsense mediated decay, it is expected to alter mRNA translation or result in a truncated protein product.